The following is an entry in ClinVar:

NM_198253.3(TERT):c.407C>T (p.Ala136Val)

Gene: TERT (telomerase reverse transcriptase; minus strand). Cytogenetic location: 5p15.33.
Variant type: single nucleotide variant.
Coding change: c.407C>T on transcript NM_198253.3 (MANE Select); coding-DNA position 407, C replaced by T.
Protein change: p.Ala136Val; replaces alanine 136 with valine.
Molecular consequence: missense variant. On other transcripts: non-coding transcript variant (2).
Genome position (GRCh38, 1-based): chr5:1,294,479, G>A on the plus strand (C>T on the coding strand, the complement: TERT is on the minus strand). VCF-style: chr5-1294479-G-A. GRCh37 (hg19) VCF-style: chr5-1294594-G-A.
Other names: c.407C>T, p.Ala136Val (NM_001193376.3); short protein forms A136V.
Identifiers: ClinVar variation 4880835 (VCV004880835.2).

ClinVar aggregate classification (germline): Uncertain significance (1 of 4 stars; one submission).

Submission:

Dasa
Classification: Uncertain significance. Last evaluated: 2025-03-10. Review status: criteria provided, single submitter. Criteria: DASA Assertion Criteria. Collection method: clinical testing. Allele origin: germline.
Comment: NM_198253.3(TERT):c.407C>T (p.Ala136Val) is a missense variant that results in the substitution of alanine with valine. This variant is absent from population databases. The currently available literature and clinical evidence are not sufficient to establish a definitive association between this variant and the reported condition. Therefore, this variant is classified as a variant of uncertain significance.